The following is an entry in ClinVar:

ClinVar aggregate classification (germline): Uncertain significance. Review status: criteria provided, multiple submitters, no conflicts (2 of 4 stars). 5 submissions from 5 submitters: Uncertain significance (5). Last evaluated 2022-06-20.

Conditions:
Inborn genetic diseases. Identifiers: MedGen C0950123, MeSH D030342.
Spastic paraplegia. Identifiers: MedGen C0037772, HP:0001258.

Allele frequency attached by ClinVar (database versions not stated): gnomAD exomes 0.00008 and 0.00016; ExAC 0.00020; gnomAD 0.00031; TOPMed 0.00031; ESP Exome Variant Server 0.00046; 1000 Genomes Project 30x 0.00047; 1000 Genomes Project 0.00060.

Submissions (5):

Labcorp Genetics (formerly Invitae), Labcorp
Classification: Uncertain significance for Spastic paraplegia. Last evaluated: 2022-06-20. Review status: criteria provided, single submitter. Criteria: Invitae Variant Classification Sherloc (09022015). Collection method: clinical testing. Allele origin: germline.
Comment: This sequence change replaces threonine, which is neutral and polar, with methionine, which is neutral and non-polar, at codon 1317 of the ZFYVE26 protein (p.Thr1317Met). This variant is present in population databases (rs143719747, gnomAD 0.09%). This variant has not been reported in the literature in individuals affected with ZFYVE26-related conditions. ClinVar contains an entry for this variant (Variation ID: 448890). Algorithms developed to predict the effect of missense changes on protein structure and function output the following: SIFT: "Tolerated"; PolyPhen-2: "Benign"; Align-GVGD: "Class C0". The methionine amino acid residue is found in multiple mammalian species, which suggests that this missense change does not adversely affect protein function. In summary, the available evidence is currently insufficient to determine the role of this variant in disease. Therefore, it has been classified as a Variant of Uncertain Significance.

Ambry Genetics
Classification: Uncertain significance for Inborn genetic diseases. Last evaluated: 2021-08-02. Review status: criteria provided, single submitter. Criteria: Ambry Variant Classification Scheme 2023. Collection method: clinical testing. Allele origin: germline.

Mayo Clinic Laboratories, Mayo Clinic
Classification: Uncertain significance. Last evaluated: 2021-07-27. Review status: criteria provided, single submitter. Criteria: ACMG Guidelines, 2015. Collection method: clinical testing. Allele origin: germline.

GeneDx
Classification: Uncertain significance. Last evaluated: 2020-01-06. Review status: criteria provided, single submitter. Criteria: GeneDx Variant Classification Process June 2021. Collection method: clinical testing. Allele origin: germline. Affected: yes.
Comment: In silico analysis, which includes protein predictors and evolutionary conservation, supports that this variant does not alter protein structure/function; Has not been previously published as pathogenic or benign to our knowledge

Athena Diagnostics
Classification: Uncertain significance. Last evaluated: 2016-08-15. Review status: criteria provided, single submitter. Criteria: Athena Diagnostics Criteria. Collection method: clinical testing. Allele origin: germline.

NM_015346.4(ZFYVE26):c.3950C>T (p.Thr1317Met)

Gene: ZFYVE26 (zinc finger FYVE-type containing 26; minus strand). Cytogenetic location: 14q24.1.
Variant type: single nucleotide variant.
Coding change: c.3950C>T on transcript NM_015346.4 (MANE Select); coding-DNA position 3950, C replaced by T.
Protein change: p.Thr1317Met; replaces threonine 1317 with methionine.
Molecular consequence: missense variant.
Genome position (GRCh38, 1-based): chr14:67,783,202, G>A on the plus strand (C>T on the coding strand, the complement: ZFYVE26 is on the minus strand). VCF-style: chr14-67783202-G-A. GRCh37 (hg19) VCF-style: chr14-68249919-G-A.
Other names: short protein forms T1317M.
Identifiers: ClinVar variation 448890 (VCV000448890.10), dbSNP rs143719747, ClinGen allele CA7239877.